The following is an entry in ClinVar:

ClinVar aggregate classification (germline): Likely benign (1 of 4 stars; one submission).

Allele frequency attached by ClinVar (database versions not stated): TOPMed 0.00010; ESP Exome Variant Server 0.00019.
gnomAD v4.1: 230 of 1,209,998 alleles (0.019%); highest among the groups gnomAD compares: South Asian, 0.13%; no homozygotes.

Submission:

CeGaT Center for Human Genetics Tuebingen
Classification: Likely benign. Last evaluated: 2022-12-01. Review status: criteria provided, single submitter. Criteria: CeGaT Center For Human Genetics Tuebingen Variant Classification Criteria Version 2. Collection method: clinical testing. Allele origin: germline. Affected: yes. Observed: 1 variant allele.
Comment: PFKFB1: BP4, BS2

NM_002625.4(PFKFB1):c.564G>T (p.Lys188Asn)

Gene: PFKFB1 (6-phosphofructo-2-kinase/fructose-2,6-biphosphatase 1; minus strand). Cytogenetic location: Xp11.21.
Variant type: single nucleotide variant.
Coding change: c.564G>T on transcript NM_002625.4 (MANE Select); coding-DNA position 564, G replaced by T.
Protein change: p.Lys188Asn; replaces lysine 188 with asparagine.
Molecular consequence: missense variant. On other transcripts: non-coding transcript variant (1).
Genome position (GRCh38, 1-based): chrX:54,956,227, C>A on the plus strand (G>T on the coding strand, the complement: PFKFB1 is on the minus strand). VCF-style: chrX-54956227-C-A. GRCh37 (hg19) VCF-style: chrX-54982660-C-A.
Other names: c.498G>T, p.Lys166Asn (NM_001271804.2); c.369G>T, p.Lys123Asn (NM_001271805.2); short protein forms K123N, K166N, K188N.
Identifiers: ClinVar variation 2660686 (VCV002660686.24), dbSNP rs146170729, ClinGen allele CA10427778.